The following is an entry in ClinVar:

NM_025233.7(COASY):c.1666A>G (p.Ile556Val)

Gene: COASY (Coenzyme A synthase; plus strand). Cytogenetic location: 17q21.2.
Variant type: single nucleotide variant.
Coding change: c.1666A>G on transcript NM_025233.7 (MANE Select); coding-DNA position 1666, A replaced by G.
Protein change: p.Ile556Val; replaces isoleucine 556 with valine.
Molecular consequence: missense variant.
Genome position (GRCh38, 1-based): chr17:42,565,939, A>G. VCF-style: chr17-42565939-A-G. GRCh37 (hg19) VCF-style: chr17-40717957-A-G.
Other names: p.Ile556Val; c.1666A>G, p.Ile556Val (NM_001042529.3); c.1753A>G, p.Ile585Val (NM_001042532.4); short protein forms I556V, I585V.
Identifiers: ClinVar variation 516550 (VCV000516550.13), dbSNP rs140982382, ClinGen allele CA8578434.
Genomic context (GRCh38, chr17:42,565,939, plus strand): 5'-CCTCCCAACATCCTGGCCTGTCTGAAGGTGGAGAAAGCCTGGGCCCTCTTGCAGAAGCGC[A>G]TTCCCAAGACTCATCAGGCCCTCGACTGAAAAGTTCTCAGTGGGGCCAGACTGGCTCCTG-3'
Protein context (NP_079509.5, residues 546-564): EKAWALLQKR[Ile556Val]PKTHQALD

ClinVar aggregate classification (germline): Benign. Review status: criteria provided, multiple submitters, no conflicts (2 of 4 stars). 4 submissions from 4 submitters: Benign (4). Last evaluated 2026-01-25.

Conditions:
Neurodegeneration with brain iron accumulation 6 (NBIA6). Also called: COASY protein-associated neurodegeneration. Identifiers: Orphanet 397725, MedGen C4517377, MONDO:0014290, OMIM 615643.

Allele frequency attached by ClinVar (database versions not stated): gnomAD exomes 0.00054 and 0.00140; ExAC 0.00170; gnomAD 0.00529 and 0.00563; 1000 Genomes Project 0.00539; ESP Exome Variant Server 0.00554; TOPMed 0.00573; 1000 Genomes Project 30x 0.00578.

Submissions (4):

Labcorp Genetics (formerly Invitae), Labcorp
Classification: Benign for Neurodegeneration with brain iron accumulation 6. Last evaluated: 2026-01-25. Review status: criteria provided, single submitter. Criteria: Invitae Variant Classification Sherloc (09022015). Collection method: clinical testing. Allele origin: germline.

Mayo Clinic Laboratories, Mayo Clinic
Classification: Benign. Last evaluated: 2023-10-04. Review status: criteria provided, single submitter. Criteria: ACMG Guidelines, 2015. Collection method: clinical testing. Allele origin: germline. Observed: 5 variant alleles.
Comment: BS1, BS2, BP4

GeneDx
Classification: Benign. Last evaluated: 2017-10-03. Review status: criteria provided, single submitter. Criteria: GeneDx Variant Classification (06012015). Collection method: clinical testing. Allele origin: germline. Affected: yes.
Comment: This variant is considered likely benign or benign based on one or more of the following criteria: it is a conservative change, it occurs at a poorly conserved position in the protein, it is predicted to be benign by multiple in silico algorithms, and/or has population frequency not consistent with disease.

Breakthrough Genomics
Classification: Benign. Review status: criteria provided, single submitter. Criteria: ACMG Guidelines, 2015. Collection method: not provided. Allele origin: germline. Inheritance: Autosomal recessive inheritance. Affected: yes.